The following is an entry in ClinVar:

ClinVar aggregate classification (germline): Uncertain significance (1 of 4 stars; one submission).

Conditions:
Charcot-Marie-Tooth disease type 2. Also called: Charcot-Marie-Tooth type 2. Identifiers: Orphanet 64746, MedGen C0270914, MONDO:0018993.

Submission:

Labcorp Genetics (formerly Invitae), Labcorp
Classification: Uncertain significance for Charcot-Marie-Tooth disease type 2. Last evaluated: 2021-10-20. Review status: criteria provided, single submitter. Criteria: Invitae Variant Classification Sherloc (09022015). Collection method: clinical testing. Allele origin: germline.
Comment: Algorithms developed to predict the effect of missense changes on protein structure and function are either unavailable or do not agree on the potential impact of this missense change (SIFT: "Deleterious"; PolyPhen-2: "Possibly Damaging"; Align-GVGD: "Class C0"). This sequence change replaces glycine with alanine at codon 626 of the AARS protein (p.Gly626Ala). The glycine residue is highly conserved and there is a small physicochemical difference between glycine and alanine. This variant is not present in population databases (ExAC no frequency). This variant has not been reported in the literature in individuals affected with AARS-related conditions. In summary, the available evidence is currently insufficient to determine the role of this variant in disease. Therefore, it has been classified as a Variant of Uncertain Significance.

NM_001605.3(AARS1):c.1877G>C (p.Gly626Ala)

Gene: AARS1 (alanyl-tRNA synthetase 1; minus strand). Cytogenetic location: 16q22.1.
Variant type: single nucleotide variant.
Coding change: c.1877G>C on transcript NM_001605.3 (MANE Select); coding-DNA position 1877, G replaced by C.
Protein change: p.Gly626Ala; replaces glycine 626 with alanine.
Molecular consequence: missense variant.
Genome position (GRCh38, 1-based): chr16:70,259,095, C>G on the plus strand (G>C on the coding strand, the complement: AARS1 is on the minus strand). VCF-style: chr16-70259095-C-G. GRCh37 (hg19) VCF-style: chr16-70292998-C-G.
Other names: short protein forms G626A.
Identifiers: ClinVar variation 1682192 (VCV001682192.6), dbSNP rs2152154443, ClinGen allele CA396558132.
Genomic context (GRCh38, chr16:70,259,095, plus strand): 5'-GTGGACATGGCTCCCTTGGCAGTAAAGTCAAATCTGAGGCGGTCAGGAGCAACCAATGAG[C>G]CTTTCTGGTCAGCTTCCCCAAGCACTGAGCGCAGGGCGAAGTTCAGAATGTGCGTAGCTG-3'
Protein context (NP_001596.2, residues 616-636): RSVLGEADQK[Gly626Ala]SLVAPDRLRF